The following is an entry in ClinVar:

NM_000095.3(COMP):c.1533C>G (p.Asp511Glu)

Gene: COMP (cartilage oligomeric matrix protein; minus strand). Cytogenetic location: 19p13.11.
Variant type: single nucleotide variant.
Coding change: c.1533C>G on transcript NM_000095.3 (MANE Select); coding-DNA position 1533, C replaced by G.
Protein change: p.Asp511Glu; replaces aspartic acid 511 with glutamic acid.
Molecular consequence: missense variant.
Genome position (GRCh38, 1-based): chr19:18,785,808, G>C on the plus strand (C>G on the coding strand, the complement: COMP is on the minus strand). VCF-style: chr19-18785808-G-C. GRCh37 (hg19) VCF-style: chr19-18896618-G-C.
Other names: short protein forms D511E.
Identifiers: ClinVar variation 420111 (VCV000420111.9), dbSNP rs1064794293, ClinGen allele CA16620813.

ClinVar aggregate classification (germline): Pathogenic/Likely pathogenic. Review status: criteria provided, multiple submitters, no conflicts (2 of 4 stars). 2 submissions from 2 submitters: Pathogenic (1); Likely pathogenic (1). Last evaluated 2022-07-26.

Submissions (2):

Labcorp Genetics (formerly Invitae), Labcorp
Classification: Pathogenic. Last evaluated: 2022-07-26. Review status: criteria provided, single submitter. Criteria: Invitae Variant Classification Sherloc (09022015). Collection method: clinical testing. Allele origin: germline.
Comment: This variant is not present in population databases (gnomAD no frequency). This sequence change replaces aspartic acid, which is acidic and polar, with glutamic acid, which is acidic and polar, at codon 511 of the COMP protein (p.Asp511Glu). This missense change has been observed in individuals with clinical features of pseudoachondroplasia (PMID: 24595329; Invitae). For these reasons, this variant has been classified as Pathogenic. This variant disrupts the p.Asp511 amino acid residue in COMP. Other variant(s) that disrupt this residue have been observed in individuals with COMP-related conditions (PMID: 15183431, 17579668, 24595329), which suggests that this may be a clinically significant amino acid residue. Advanced modeling of protein sequence and biophysical properties (such as structural, functional, and spatial information, amino acid conservation, physicochemical variation, residue mobility, and thermodynamic stability) performed at Invitae indicates that this missense variant is expected to disrupt COMP protein function. ClinVar contains an entry for this variant (Variation ID: 420111).

GeneDx
Classification: Likely pathogenic. Last evaluated: 2017-03-16. Review status: criteria provided, single submitter. Criteria: GeneDx Variant Classification (06012015). Collection method: clinical testing. Allele origin: germline. Affected: yes.
Comment: The D511E variant has been reported previously in association with pseudoachondroplasia (Briggs et al., 2014). The D511E variant is not observed in large population cohorts (Lek et al., 2016; 1000 Genomes Consortium et al., 2015; Exome Variant Server). It is a conservative amino acid substitution, which is not likely to impact secondary protein structure as these residues share similar properties. This substitution occurs at a position that is conserved across species and in silico analysis predicts this variant is probably damaging to the protein structure/function. Missense variants at the same (D511Y/H/G) and in nearby residues (D507N/G, p.D509N/V/G/A/E, D515G) have been reported in the Human Gene Mutation Database in association with pseudoachondroplasia (Stenson et al., 2014), supporting the functional importance of this region of the protein. In summary, this variant is likely pathogenic; however, the possibility that it is benign cannot be excluded.

Literature cited by the submitters: PubMed 24595329 (cited by Labcorp Genetics (formerly Invitae), Labcorp); PubMed 15183431 (cited by Labcorp Genetics (formerly Invitae), Labcorp); PubMed 17579668 (cited by Labcorp Genetics (formerly Invitae), Labcorp).